The following is an entry in ClinVar:

NM_022114.4(PRDM16):c.1819_1823delinsTTCAT (p.Val607_Asn608delinsPheIle)

Gene: PRDM16 (PR/SET domain 16; plus strand). Cytogenetic location: 1p36.32.
Variant type: Indel.
Coding change: c.1819_1823delinsTTCAT on transcript NM_022114.4 (MANE Select); coding-DNA positions 1819 to 1823, GTCAA replaced by TTCAT.
Protein change: p.Val607_Asn608delinsPheIle.
Molecular consequence: missense variant.
Genome position (GRCh38, 1-based): chr1:3,412,016-3,412,020, GTCAA replaced by TTCAT. VCF-style: chr1-3412016-GTCAA-TTCAT. GRCh37 (hg19) VCF-style: chr1-3328580-GTCAA-TTCAT.
Other names: c.1819_1823delinsTTCAT, p.Val607_Asn608delinsPheIle (NM_199454.3).
Identifiers: ClinVar variation 474413 (VCV000474413.6), dbSNP rs1553176630, ClinGen allele CA658656867.

ClinVar aggregate classification (germline): Uncertain significance (1 of 4 stars; one submission).

Conditions:
Left ventricular noncompaction 8 (LVNC8). Identifiers: Orphanet 154, Orphanet 54260, MedGen C3809288, MONDO:0014152, OMIM 615373.

Submission:

Labcorp Genetics (formerly Invitae), Labcorp
Classification: Uncertain significance for Left ventricular noncompaction 8. Last evaluated: 2019-07-04. Review status: criteria provided, single submitter. Criteria: Invitae Variant Classification Sherloc (09022015). Collection method: clinical testing. Allele origin: germline.
Comment: In summary, this variant has uncertain impact on PRDM16 function. The available evidence is currently insufficient to determine its role in disease. Therefore, it has been classified as a Variant of Uncertain Significance. Experimental studies and prediction algorithms are not available for this variant, and the functional significance of the deleted and inserted amino acids is currently unknown. This variant has not been reported in the literature in individuals with a PRDM16-related disease. This variant is not present in population databases (ExAC no frequency). This variant, c.1819_1823delinsTTCAT, is a complex sequence change that deletes five nucleotides and inserts five nucleotides resulting in the deletion of valine and asparagine and the insertion of phenylalanine and isoleucine in the PRDM16 protein (p.Val607_Asn608delinsPheIle).